The following is an entry in ClinVar:

ClinVar aggregate classification (germline): Uncertain significance (1 of 4 stars; one submission).

Conditions:
Fetal akinesia deformation sequence 1 (FADS1). Also called: Pena-Shokeir syndrome type I; Fetal akinesia sequence. Identifiers: Orphanet 994, MedGen C1276035, MONDO:0100101, OMIM 208150, HP:0001989.
Congenital myasthenic syndrome 10. Also called: Myasthenia, limb-girdle, familial. Identifiers: Orphanet 590, MedGen C1850792, MONDO:0009690, OMIM 254300.

gnomAD v4.1: 2 of 1,611,516 alleles (0.00012%); highest among the groups gnomAD compares: Non-Finnish European, 0.000085%; no homozygotes.

Submission:

Labcorp Genetics (formerly Invitae), Labcorp
Classification: Uncertain significance for Congenital myasthenic syndrome 10; Fetal akinesia deformation sequence 1. Last evaluated: 2022-05-14. Review status: criteria provided, single submitter. Criteria: Invitae Variant Classification Sherloc (09022015). Collection method: clinical testing. Allele origin: germline.
Comment: This sequence change replaces glycine, which is neutral and non-polar, with arginine, which is basic and polar, at codon 427 of the DOK7 protein (p.Gly427Arg). This variant is present in population databases (no rsID available, gnomAD 0.005%). This variant has not been reported in the literature in individuals affected with DOK7-related conditions. Algorithms developed to predict the effect of missense changes on protein structure and function (SIFT, PolyPhen-2, Align-GVGD) all suggest that this variant is likely to be tolerated. In summary, the available evidence is currently insufficient to determine the role of this variant in disease. Therefore, it has been classified as a Variant of Uncertain Significance.

NM_173660.5(DOK7):c.1279G>C (p.Gly427Arg)

Gene: DOK7 (docking protein 7; plus strand). Cytogenetic location: 4p16.3.
Variant type: single nucleotide variant.
Coding change: c.1279G>C on transcript NM_173660.5 (MANE Select); coding-DNA position 1279, G replaced by C.
Protein change: p.Gly427Arg; replaces glycine 427 with arginine.
Molecular consequence: missense variant. On other transcripts: 3 prime UTR variant (1).
Genome position (GRCh38, 1-based): chr4:3,493,265, G>C. VCF-style: chr4-3493265-G-C. GRCh37 (hg19) VCF-style: chr4-3494992-G-C.
Other names: c.*500G>C (NM_001164673.2); c.349G>C, p.Gly117Arg (NM_001256896.2); c.1279G>C, p.Gly427Arg (NM_001301071.2); c.847G>C, p.Gly283Arg (NM_001363811.2); short protein forms G283R, G117R, G427R.
Identifiers: ClinVar variation 1508250 (VCV001508250.3), dbSNP rs377555406, ClinGen allele CA356117682.